The following is an entry in ClinVar:

ClinVar aggregate classification (germline): Uncertain significance (1 of 4 stars; one submission).

Conditions:
Merosin deficient congenital muscular dystrophy (MDC1A). Also called: Congenital merosin-deficient muscular dystrophy 1A; Congenital Muscular Dystrophy Type 1A (MDC1A). Identifiers: Orphanet 258, MedGen C1263858, MONDO:0011925, OMIM 607855.

Submission:

Baylor Genetics
Classification: Uncertain significance for Merosin deficient congenital muscular dystrophy. Last evaluated: 2019-04-08. Review status: criteria provided, single submitter. Criteria: ACMG Guidelines, 2015. Collection method: clinical testing. Allele origin: paternal. Affected: yes.
Comment: This variant was determined to be of uncertain significance according to ACMG Guidelines, 2015 [PMID:25741868].

NM_000426.4(LAMA2):c.155T>G (p.Ile52Ser)

Gene: LAMA2 (laminin subunit alpha 2; plus strand). Cytogenetic location: 6q22.33.
Variant type: single nucleotide variant.
Coding change: c.155T>G on transcript NM_000426.4 (MANE Select); coding-DNA position 155, T replaced by G.
Protein change: p.Ile52Ser; replaces isoleucine 52 with serine.
Molecular consequence: missense variant.
Genome position (GRCh38, 1-based): chr6:129,049,960, T>G. VCF-style: chr6-129049960-T-G. GRCh37 (hg19) VCF-style: chr6-129371105-T-G.
Other names: c.155T>G, p.Ile52Ser (NM_001079823.2); short protein forms I52S.
Identifiers: ClinVar variation 1030786 (VCV001030786.1), dbSNP rs1380745222, ClinGen allele CA365828481.